The following is an entry in ClinVar:

NM_020163.3(SEMA3G):c.1236C>G (p.Pro412=)

Gene: SEMA3G (semaphorin 3G; minus strand). Cytogenetic location: 3p21.1.
Variant type: single nucleotide variant.
Coding change: c.1236C>G on transcript NM_020163.3 (MANE Select); coding-DNA position 1236, C replaced by G.
Protein change: p.Pro412=; no amino-acid change (proline 412 retained).
Molecular consequence: synonymous variant.
Genome position (GRCh38, 1-based): chr3:52,440,006, G>C on the plus strand (C>G on the coding strand, the complement: SEMA3G is on the minus strand). VCF-style: chr3-52440006-G-C. GRCh37 (hg19) VCF-style: chr3-52474022-G-C.
Identifiers: ClinVar variation 3029734 (VCV003029734.2), dbSNP rs763606167, ClinGen allele CA2438020.

ClinVar aggregate classification (germline): Likely benign (0 of 4 stars; one submission).

Conditions:
SEMA3G-related disorder. Also called: SEMA3G-related condition.

Allele frequency attached by ClinVar (database versions not stated): gnomAD exomes 0.00002; ExAC 0.00007; gnomAD 0.00012; TOPMed 0.00014.
gnomAD v4.1: 44 of 1,612,708 alleles (0.0027%); highest among the groups gnomAD compares: African/African-American, 0.051%; no homozygotes.

Submission:

PreventionGenetics, part of Exact Sciences
Classification: Likely benign for SEMA3G-related condition. Last evaluated: 2022-04-05. Review status: no assertion criteria provided. Collection method: clinical testing. Allele origin: germline.
Comment: This variant is classified as likely benign based on ACMG/AMP sequence variant interpretation guidelines (Richards et al. 2015 PMID: 25741868, with internal and published modifications).